The following is an entry in ClinVar:

ClinVar aggregate classification (germline): Uncertain significance (1 of 4 stars; one submission).

Submission:

Labcorp Genetics (formerly Invitae), Labcorp
Classification: Uncertain significance. Last evaluated: 2022-06-04. Review status: criteria provided, single submitter. Criteria: Invitae Variant Classification Sherloc (09022015). Collection method: clinical testing. Allele origin: germline.
Comment: This variant is not present in population databases (gnomAD no frequency). This sequence change replaces glycine, which is neutral and non-polar, with arginine, which is basic and polar, at codon 110 of the NEFH protein (p.Gly110Arg). This variant has not been reported in the literature in individuals affected with NEFH-related conditions. In summary, the available evidence is currently insufficient to determine the role of this variant in disease. Therefore, it has been classified as a Variant of Uncertain Significance. Algorithms developed to predict the effect of missense changes on protein structure and function are either unavailable or do not agree on the potential impact of this missense change (SIFT: "Deleterious"; PolyPhen-2: "Not Available"; Align-GVGD: "Class C0"). ClinVar contains an entry for this variant (Variation ID: 1479987).

NM_021076.4(NEFH):c.328G>C (p.Gly110Arg)

Gene: NEFH (neurofilament heavy chain; plus strand). Cytogenetic location: 22q12.2.
Variant type: single nucleotide variant.
Coding change: c.328G>C on transcript NM_021076.4 (MANE Select); coding-DNA position 328, G replaced by C.
Protein change: p.Gly110Arg; replaces glycine 110 with arginine.
Molecular consequence: missense variant.
Genome position (GRCh38, 1-based): chr22:29,480,590, G>C. VCF-style: chr22-29480590-G-C. GRCh37 (hg19) VCF-style: chr22-29876579-G-C.
Other names: short protein forms G110R.
Identifiers: ClinVar variation 1479987 (VCV001479987.6), dbSNP rs865932358, ClinGen allele CA411122629.